The following is an entry in ClinVar:

ClinVar aggregate classification (germline): Uncertain significance (1 of 4 stars; one submission).

Conditions:
Hereditary nonpolyposis colorectal neoplasms. Identifiers: MedGen C0009405, MeSH D003123.

Submission:

Labcorp Genetics (formerly Invitae), Labcorp
Classification: Uncertain significance for Hereditary nonpolyposis colorectal neoplasms. Last evaluated: 2025-11-18. Review status: criteria provided, single submitter. Criteria: Invitae Variant Classification Sherloc (09022015). Collection method: clinical testing. Allele origin: germline.
Comment: This sequence change replaces histidine, which is basic and polar, with proline, which is neutral and non-polar, at codon 264 of the PMS2 protein (p.His264Pro). This variant is not present in population databases (gnomAD no frequency). This variant has not been reported in the literature in individuals affected with PMS2-related conditions. ClinVar contains an entry for this variant (Variation ID: 411045). Invitae Evidence Modeling incorporating data from in vitro experimental studies (internal data) indicates that this missense variant is not expected to disrupt PMS2 function with a negative predictive value of 95%. In summary, the available evidence is currently insufficient to determine the role of this variant in disease. Therefore, it has been classified as a Variant of Uncertain Significance.

NM_000535.7(PMS2):c.791A>C (p.His264Pro)

Gene: PMS2 (PMS1 homolog 2, mismatch repair system component; minus strand). Cytogenetic location: 7p22.1.
Variant type: single nucleotide variant.
Coding change: c.791A>C on transcript NM_000535.7 (MANE Select); coding-DNA position 791, A replaced by C.
Protein change: p.His264Pro; replaces histidine 264 with proline.
Molecular consequence: missense variant. On other transcripts: 5 prime UTR variant (2), non-coding transcript variant (1).
Genome position (GRCh38, 1-based): chr7:5,997,338, T>G on the plus strand (A>C on the coding strand, the complement: PMS2 is on the minus strand). VCF-style: chr7-5997338-T-G. GRCh37 (hg19) VCF-style: chr7-6036969-T-G.
Other names: c.386A>C, p.His129Pro (NM_001322003.2, NM_001322004.2, NM_001322005.2 and 2 more transcripts); c.791A>C, p.His264Pro (NM_001322006.2, NM_001322014.2); c.473A>C, p.His158Pro (NM_001322007.2, NM_001322008.2); c.-143A>C (NM_001322011.2, NM_001322012.2); c.218A>C, p.His73Pro (NM_001322013.2); c.482A>C, p.His161Pro (NM_001322015.2); short protein forms H264P, H158P, H129P, H161P, H73P.
Identifiers: ClinVar variation 411045 (VCV000411045.10), dbSNP rs1060503129, ClinGen allele CA16612148.